The following is an entry in ClinVar:

NM_007098.4(CLTCL1):c.719A>G (p.Asn240Ser)

Gene: CLTCL1 (clathrin heavy chain like 1; minus strand). Cytogenetic location: 22q11.21.
Variant type: single nucleotide variant.
Coding change: c.719A>G on transcript NM_007098.4 (MANE Select); coding-DNA position 719, A replaced by G.
Protein change: p.Asn240Ser; replaces asparagine 240 with serine.
Molecular consequence: missense variant.
Genome position (GRCh38, 1-based): chr22:19,239,351, T>C on the plus strand (A>G on the coding strand, the complement: CLTCL1 is on the minus strand). VCF-style: chr22-19239351-T-C. GRCh37 (hg19) VCF-style: chr22-19226874-T-C.
Other names: p.Asn240Ser; c.719A>G, p.Asn240Ser (NM_001835.4); short protein forms N240S.
Identifiers: ClinVar variation 721957 (VCV000721957.7), dbSNP rs147685377, ClinGen allele CA10098918.
Genomic context (GRCh38, chr22:19,239,351, plus strand): 5'-AAATCATTCTGTGCCTCTGGAGGAAAAAACACATCTACTGCTTTCTTTACAAAAGGTTGG[T>C]TTCCCGCTGCAGGCTGTCCAACTTCAATGATGTGCAACTAGAAGAGAGATTTTAGGTCAA-3'
Protein context (NP_009029.3, residues 230-250): IIEVGQPAAG[Asn240Ser]QPFVKKAVDV

ClinVar aggregate classification (germline): Likely benign. Review status: criteria provided, multiple submitters, no conflicts (2 of 4 stars). 3 submissions from 3 submitters: Likely benign (2). 1 of the submissions does not count toward it. Last evaluated 2025-11-19.

Conditions:
CLTCL1-related disorder. Also called: CLTCL1-related condition.

Allele frequency attached by ClinVar (database versions not stated): gnomAD exomes 0.00197 and 0.00302; ESP Exome Variant Server 0.00282; 1000 Genomes Project 30x 0.00078; gnomAD 0.00224 and 0.00230; TOPMed 0.00256; 1000 Genomes Project 0.00060; ExAC 0.00184.
gnomAD v4.1: 4,713 of 1,613,986 alleles (0.29%); highest among the groups gnomAD compares: Non-Finnish European, 0.37%; 11 homozygotes.

Submissions (3):

Mayo Clinic Laboratories, Mayo Clinic
Classification: Likely benign. Last evaluated: 2025-11-19. Review status: criteria provided, single submitter. Criteria: ACMG Guidelines, 2015. Collection method: clinical testing. Allele origin: germline. Observed: 5 variant alleles.
Comment: BS2, BP4_moderate

Labcorp Genetics (formerly Invitae), Labcorp
Classification: Likely benign. Last evaluated: 2019-12-31. Review status: criteria provided, single submitter. Criteria: Invitae Variant Classification Sherloc (09022015). Collection method: clinical testing. Allele origin: germline.

PreventionGenetics, part of Exact Sciences
Classification: Likely benign for CLTCL1-related condition. Last evaluated: 2024-05-02. Review status: no assertion criteria provided. Collection method: clinical testing. Allele origin: germline. Not counted in ClinVar's aggregate classification.
Comment: This variant is classified as likely benign based on ACMG/AMP sequence variant interpretation guidelines (Richards et al. 2015 PMID: 25741868, with internal and published modifications).